The following is an entry in ClinVar:

NM_001329943.3(KIAA0586):c.4518C>T (p.Ser1506=)

Gene: KIAA0586 (KIAA0586; plus strand). Cytogenetic location: 14q23.1.
Variant type: single nucleotide variant.
Coding change: c.4518C>T on transcript NM_001329943.3 (MANE Select); coding-DNA position 4518, C replaced by T.
Protein change: p.Ser1506=; no amino-acid change (serine 1506 retained).
Molecular consequence: synonymous variant. On other transcripts: missense variant (2).
Genome position (GRCh38, 1-based): chr14:58,547,803, C>T. VCF-style: chr14-58547803-C-T. GRCh37 (hg19) VCF-style: chr14-59014521-C-T.
Other names: c.4762C>T, p.Arg1588Cys (NM_001244189.2); c.4473C>T, p.Ser1491= (NM_001244190.2); c.4263C>T, p.Ser1421= (NM_001244191.2, NM_001364701.2); c.4386C>T, p.Ser1462= (NM_001244192.2, NM_001329947.2); c.4603C>T, p.Arg1535Cys (NM_001329944.2); c.4197C>T, p.Ser1399= (NM_001329945.2); c.4452C>T, p.Ser1484= (NM_001329946.2); c.4290C>T, p.Ser1430= (NM_014749.5); short protein forms R1535C, R1588C.
Identifiers: ClinVar variation 2171153 (VCV002171153.1), dbSNP rs751495718, ClinGen allele CA7206439.

ClinVar aggregate classification (germline): Uncertain significance (1 of 4 stars; one submission).

Conditions:
Short-rib thoracic dysplasia 14 with polydactyly (SRTD14). Identifiers: Orphanet 397715, MedGen C4225286, MONDO:0014688, OMIM 616546.
Joubert syndrome 23 (JBTS23). Identifiers: Orphanet 475, MedGen C4084822, MONDO:0014664, OMIM 616490.

Allele frequency attached by ClinVar (database versions not stated): ExAC 0.00001; TOPMed 0.00002.
gnomAD v4.1: 20 of 1,613,562 alleles (0.0012%); highest among the groups gnomAD compares: South Asian, 0.0044%; no homozygotes.

Submission:

Labcorp Genetics (formerly Invitae), Labcorp
Classification: Uncertain significance for Joubert syndrome 23; Short-rib thoracic dysplasia 14 with polydactyly. Last evaluated: 2022-05-12. Review status: criteria provided, single submitter. Criteria: Invitae Variant Classification Sherloc (09022015). Collection method: clinical testing. Allele origin: germline.
Comment: This sequence change replaces arginine, which is basic and polar, with cysteine, which is neutral and slightly polar, at codon 1588 of the KIAA0586 protein (p.Arg1588Cys). This variant is present in population databases (rs751495718, gnomAD 0.007%). This variant has not been reported in the literature in individuals affected with KIAA0586-related conditions. Algorithms developed to predict the effect of missense changes on protein structure and function output the following: SIFT: "Deleterious"; PolyPhen-2: "Benign"; Align-GVGD: "Class C0". The cysteine amino acid residue is found in multiple mammalian species, which suggests that this missense change does not adversely affect protein function. Algorithms developed to predict the effect of sequence changes on RNA splicing suggest that this variant may create or strengthen a splice site. In summary, the available evidence is currently insufficient to determine the role of this variant in disease. Therefore, it has been classified as a Variant of Uncertain Significance.